The following is an entry in ClinVar:

ClinVar aggregate classification (germline): Uncertain significance (1 of 4 stars; one submission).

Conditions:
Familial sleep-related hypermotor epilepsy. Also called: Autosomal Dominant Sleep-Related Hypermotor (Hyperkinetic) Epilepsy. Identifiers: Orphanet 98784, MedGen C3696898, MONDO:0000030.

Submission:

Labcorp Genetics (formerly Invitae), Labcorp
Classification: Uncertain significance. Last evaluated: 2024-12-22. Review status: criteria provided, single submitter. Criteria: Invitae Variant Classification Sherloc (09022015). Collection method: clinical testing. Allele origin: germline.
Comment: This sequence change replaces histidine, which is basic and polar, with arginine, which is basic and polar, at codon 172 of the CHRNA2 protein (p.His172Arg). This variant is not present in population databases (gnomAD no frequency). This variant has not been reported in the literature in individuals affected with CHRNA2-related conditions. ClinVar contains an entry for this variant (Variation ID: 1412719). Invitae Evidence Modeling of protein sequence and biophysical properties (such as structural, functional, and spatial information, amino acid conservation, physicochemical variation, residue mobility, and thermodynamic stability) indicates that this missense variant is not expected to disrupt CHRNA2 protein function with a negative predictive value of 80%. In summary, the available evidence is currently insufficient to determine the role of this variant in disease. Therefore, it has been classified as a Variant of Uncertain Significance.

NM_000742.4(CHRNA2):c.515A>G (p.His172Arg)

Gene: CHRNA2 (cholinergic receptor nicotinic alpha 2 subunit; minus strand). Cytogenetic location: 8p21.2.
Variant type: single nucleotide variant.
Coding change: c.515A>G on transcript NM_000742.4 (MANE Select); coding-DNA position 515, A replaced by G.
Protein change: p.His172Arg; replaces histidine 172 with arginine.
Molecular consequence: missense variant. On other transcripts: intron variant (2).
Genome position (GRCh38, 1-based): chr8:27,463,928, T>C on the plus strand (A>G on the coding strand, the complement: CHRNA2 is on the minus strand). VCF-style: chr8-27463928-T-C. GRCh37 (hg19) VCF-style: chr8-27321445-T-C.
Other names: c.470A>G, p.His157Arg (NM_001282455.2); c.38A>G, p.His13Arg (NM_001347705.2, NM_001347706.2); c.-12-68A>G (NM_001347708.2); c.-9-71A>G (NM_001347707.2); short protein forms H13R, H157R, H172R.
Identifiers: ClinVar variation 1412719 (VCV001412719.8), dbSNP rs1812615728, ClinGen allele CA370811438.
Genomic context (GRCh38, chr8:27,463,928, plus strand): 5'-AAGGGGAAGAAGGTGACGTCGATGCTGCAGGAGCTCTTGTAGATGGCCGGGGGCACCCAG[T>C]GCACAGTGCCCGTGGAGAAGAGGTGGGCCTTGGTCATGTGGGTCACTGCAAACTCCCCAT-3'
Protein context (NP_000733.2, residues 162-182): KAHLFSTGTV[His172Arg]WVPPAIYKSS